The following is an entry in ClinVar:

ClinVar aggregate classification (germline): Uncertain significance (1 of 4 stars; one submission).

Conditions:
Hereditary pancreatitis (PCTT). Also called: Hereditary chronic pancreatitis; PRSS1-Related Hereditary Pancreatitis. Identifiers: Orphanet 676, MedGen C0238339, MONDO:0008185, OMIM 167800.

Submission:

Ambry Genetics
Classification: Uncertain significance for Hereditary pancreatitis. Last evaluated: 2024-10-18. Review status: criteria provided, single submitter. Criteria: Ambry Variant Classification Scheme 2023. Collection method: clinical testing. Allele origin: germline.
Comment: The p.A34D variant (also known as c.101C>A), located in coding exon 2 of the CPA1 gene, results from a C to A substitution at nucleotide position 101. The alanine at codon 34 is replaced by aspartic acid, an amino acid with dissimilar properties. This amino acid position is conserved. In addition, this alteration is predicted to be tolerated by in silico analysis. Based on the available evidence, the clinical significance of this variant remains unclear.

NM_001868.4(CPA1):c.101C>A (p.Ala34Asp)

Gene: CPA1 (carboxypeptidase A1; plus strand). Cytogenetic location: 7q32.2.
Variant type: single nucleotide variant.
Coding change: c.101C>A on transcript NM_001868.4 (MANE Select); coding-DNA position 101, C replaced by A.
Protein change: p.Ala34Asp; replaces alanine 34 with aspartic acid.
Molecular consequence: missense variant.
Genome position (GRCh38, 1-based): chr7:130,381,133, C>A. VCF-style: chr7-130381133-C-A. GRCh37 (hg19) VCF-style: chr7-130020974-C-A.
Other names: short protein forms A34D.
Identifiers: ClinVar variation 3496215 (VCV003496215.1).
Genomic context (GRCh38, chr7:130,381,133, plus strand): 5'-CACTCCCCACTCCCACTCTGCCCAGGCATCAGGTGCTCCGAATCTCTGTAGCCGATGAGG[C>A]CCAGGTACAGAAGGTGAAGGAGCTGGAGGACCTGGAGCACCTGCAGGTCAGAAGAGGGGA-3'
Protein context (NP_001859.1, residues 24-44): QVLRISVADE[Ala34Asp]QVQKVKELED